The following is an entry in ClinVar:

ClinVar aggregate classification (germline): Likely benign. Review status: criteria provided, multiple submitters, no conflicts (2 of 4 stars). 4 submissions from 4 submitters: Likely benign (4). Last evaluated 2025-04-09.

Conditions:
Cardiovascular phenotype. Identifiers: MedGen CN230736.
Myofibrillar myopathy 5. Also called: Filaminopathy (type); FILAMINOPATHY, AUTOSOMAL DOMINANT. Identifiers: Orphanet 171445, MedGen C1836050, MONDO:0012289, OMIM 609524.
Hypertrophic cardiomyopathy 26. Also called: Cardiomyopathy, familial hypertrophic, 26. Identifiers: Orphanet 75249, MedGen C4310749, MONDO:0014883, OMIM 617047.
Distal myopathy with posterior leg and anterior hand involvement. Also called: WILLIAMS DISTAL MYOPATHY. Identifiers: Orphanet 63273, MedGen C3279722, MONDO:0013550, OMIM 614065.

Allele frequency attached by ClinVar (database versions not stated): gnomAD 0.00001.
gnomAD v4.1: 5 of 1,613,738 alleles (0.00031%); highest among the groups gnomAD compares: Non-Finnish European, 0.00034%; no homozygotes.

Submissions (4):

Molecular Diagnostic Laboratory for Inherited Cardiovascular Disease, Montreal Heart Institute
Classification: Likely benign. Last evaluated: 2025-04-09. Review status: criteria provided, single submitter. Criteria: ACMG Guidelines, 2015. Collection method: clinical testing. Allele origin: germline. Affected: no.
Comment: BP6;BP7

Labcorp Genetics (formerly Invitae), Labcorp
Classification: Likely benign for Distal myopathy with posterior leg and anterior hand involvement; Myofibrillar myopathy 5; Hypertrophic cardiomyopathy 26. Last evaluated: 2024-10-08. Review status: criteria provided, single submitter. Criteria: Invitae Variant Classification Sherloc (09022015). Collection method: clinical testing. Allele origin: germline.

Blueprint Genetics
Classification: Likely benign. Last evaluated: 2022-12-01. Review status: criteria provided, single submitter. Criteria: ACMG Guidelines, 2015. Collection method: clinical testing. Allele origin: germline.

Ambry Genetics
Classification: Likely benign for Cardiovascular phenotype. Last evaluated: 2020-01-23. Review status: criteria provided, single submitter. Criteria: Ambry Variant Classification Scheme 2023. Collection method: clinical testing. Allele origin: germline.

NM_001458.5(FLNC):c.2202G>A (p.Lys734=)

Gene: FLNC (filamin C; plus strand). Cytogenetic location: 7q32.1.
Variant type: single nucleotide variant.
Coding change: c.2202G>A on transcript NM_001458.5 (MANE Select); coding-DNA position 2202, G replaced by A.
Protein change: p.Lys734=; no amino-acid change (lysine 734 retained).
Molecular consequence: synonymous variant.
Genome position (GRCh38, 1-based): chr7:128,842,311, G>A. VCF-style: chr7-128842311-G-A. GRCh37 (hg19) VCF-style: chr7-128482365-G-A.
Other names: c.2202G>A, p.Lys734= (NM_001127487.2).
Identifiers: ClinVar variation 1114246 (VCV001114246.13), dbSNP rs769984017, ClinGen allele CA4474638.